The following is an entry in ClinVar:

ClinVar aggregate classification (germline): Uncertain significance (1 of 4 stars; one submission).

Submission:

Labcorp Genetics (formerly Invitae), Labcorp
Classification: Uncertain significance. Last evaluated: 2021-05-17. Review status: criteria provided, single submitter. Criteria: Invitae Variant Classification Sherloc (09022015). Collection method: clinical testing. Allele origin: germline.
Comment: A gross deletion of the genomic region encompassing the full coding sequence of the RAB33B gene has been identified. The current clinical and genetic evidence is not sufficient to establish whether loss-of-function variants in RAB33B cause disease. The boundaries of this event are unknown as they extend beyond the assayed region for this gene and therefore may encompass additional genes. This variant has not been reported in the literature in individuals with RAB33B-related conditions. In summary, the available evidence is currently insufficient to determine the role of this variant in disease. Therefore, it has been classified as a Variant of Uncertain Significance.

NC_000004.11:g.(?_140222932)_(140394280_?)del

Genes: NAA15 (N-alpha-acetyltransferase 15, NatA auxiliary subunit; plus strand), NDUFC1 (NADH:ubiquinone oxidoreductase subunit C1; minus strand), RAB33B (RAB33B, member RAS oncogene family; plus strand). Cytogenetic location: 4q31.1.
Variant type: Deletion.
Identifiers: ClinVar variation 1443929 (VCV001443929.3).